The following is an entry in ClinVar:

NM_033026.6(PCLO):c.2635C>T (p.Pro879Ser)

Gene: PCLO (piccolo presynaptic cytomatrix protein; minus strand). Cytogenetic location: 7q21.11.
Variant type: single nucleotide variant.
Coding change: c.2635C>T on transcript NM_033026.6 (MANE Select); coding-DNA position 2635, C replaced by T.
Protein change: p.Pro879Ser; replaces proline 879 with serine.
Molecular consequence: missense variant.
Genome position (GRCh38, 1-based): chr7:83,134,915, G>A on the plus strand (C>T on the coding strand, the complement: PCLO is on the minus strand). VCF-style: chr7-83134915-G-A. GRCh37 (hg19) VCF-style: chr7-82764231-G-A.
Other names: c.2635C>T, p.Pro879Ser (NM_014510.3); c.2635C>T (NM_033026.5); short protein forms P879S.
Identifiers: ClinVar variation 2096534 (VCV002096534.6), dbSNP rs184031015, ClinGen allele CA4321236.

ClinVar aggregate classification (germline): Uncertain significance. Review status: criteria provided, multiple submitters, no conflicts (2 of 4 stars). 2 submissions from 2 submitters: Uncertain significance (2). Last evaluated 2023-04-26.

Conditions:
Inborn genetic diseases. Identifiers: MedGen C0950123, MeSH D030342.

Allele frequency attached by ClinVar (database versions not stated): ExAC 0.00001.
gnomAD v4.1: 1 of 1,603,724 alleles (0.000062%); highest among the groups gnomAD compares: Non-Finnish European, 0.000085%; no homozygotes.

Submissions (2):

Ambry Genetics
Classification: Uncertain significance for Inborn genetic diseases. Last evaluated: 2023-04-26. Review status: criteria provided, single submitter. Criteria: Ambry Variant Classification Scheme 2023. Collection method: clinical testing. Allele origin: germline.

Labcorp Genetics (formerly Invitae), Labcorp
Classification: Uncertain significance. Last evaluated: 2022-07-11. Review status: criteria provided, single submitter. Criteria: Invitae Variant Classification Sherloc (09022015). Collection method: clinical testing. Allele origin: germline.
Comment: In summary, the available evidence is currently insufficient to determine the role of this variant in disease. Therefore, it has been classified as a Variant of Uncertain Significance. Algorithms developed to predict the effect of missense changes on protein structure and function output the following: SIFT: "Tolerated"; PolyPhen-2: "Not Available"; Align-GVGD: "Class C0". The serine amino acid residue is found in multiple mammalian species, which suggests that this missense change does not adversely affect protein function. This variant has not been reported in the literature in individuals affected with PCLO-related conditions. This variant is present in population databases (rs184031015, gnomAD 0.0009%). This sequence change replaces proline, which is neutral and non-polar, with serine, which is neutral and polar, at codon 879 of the PCLO protein (p.Pro879Ser).